The following is an entry in ClinVar:

NM_001206927.2(DNAH8):c.11430_11432del (p.Arg3812del)

Genes: DNAH8 (dynein axonemal heavy chain 8; plus strand), DNAH8-AS1 (DNAH8 antisense RNA 1; minus strand). Cytogenetic location: 6p21.2.
Variant type: Deletion.
Coding change: c.11430_11432del on transcript NM_001206927.2 (MANE Select); coding-DNA positions 11430 to 11432, 3 bases deleted (AAG; older notation c.11430_11432delAAG).
Protein change: p.Arg3812del; deletes arginine 3812.
Molecular consequence: inframe deletion.
Genome position (GRCh38, 1-based): chr6:38,931,966-38,931,968, AAG deleted. VCF-style (leftmost placement, unchanged base first): chr6-38931965-TAAG-T. GRCh37 (hg19) VCF-style: chr6-38899741-TAAG-T.
Other names: c.10779_10781del, p.Arg3595del (NM_001371.4); short protein forms R3812del, R3595del.
Identifiers: ClinVar variation 454539 (VCV000454539.8), dbSNP rs771033562, ClinGen allele CA3791044.

ClinVar aggregate classification (germline): Uncertain significance (1 of 4 stars; one submission).

Conditions:
Primary ciliary dyskinesia. Also called: Ciliary dyskinesia. Identifiers: Orphanet 244, MedGen C0008780, MONDO:0016575, HP:0012265.

Allele frequency attached by ClinVar (database versions not stated): ExAC 0.00001; gnomAD 0.00001; gnomAD exomes 0.00001 and 0.00002.

Submission:

Labcorp Genetics (formerly Invitae), Labcorp
Classification: Uncertain significance for Primary ciliary dyskinesia. Last evaluated: 2022-04-11. Review status: criteria provided, single submitter. Criteria: Invitae Variant Classification Sherloc (09022015). Collection method: clinical testing. Allele origin: germline.
Comment: In summary, the available evidence is currently insufficient to determine the role of this variant in disease. Therefore, it has been classified as a Variant of Uncertain Significance. Experimental studies and prediction algorithms are not available or were not evaluated, and the functional significance of this variant is currently unknown. ClinVar contains an entry for this variant (Variation ID: 454539). This variant has not been reported in the literature in individuals affected with DNAH8-related conditions. This variant is present in population databases (rs771033562, gnomAD 0.01%). This variant, c.11430_11432del, results in the deletion of 1 amino acid(s) of the DNAH8 protein (p.Arg3812del), but otherwise preserves the integrity of the reading frame.